The following is an entry in ClinVar:

NM_000057.4(BLM):c.1012T>C (p.Ser338Pro)

Gene: BLM (BLM RecQ like helicase; plus strand). Cytogenetic location: 15q26.1.
Variant type: single nucleotide variant.
Coding change: c.1012T>C on transcript NM_000057.4 (MANE Select); coding-DNA position 1012, T replaced by C.
Protein change: p.Ser338Pro; replaces serine 338 with proline.
Molecular consequence: missense variant. On other transcripts: 5 prime UTR variant (1).
Genome position (GRCh38, 1-based): chr15:90,754,863, T>C. VCF-style: chr15-90754863-T-C. GRCh37 (hg19) VCF-style: chr15-91298093-T-C.
Other names: c.1012T>C, p.Ser338Pro (NM_001287246.2, NM_001287247.2); c.-280T>C (NM_001287248.2); short protein forms S338P.
Identifiers: ClinVar variation 3022358 (VCV003022358.3), dbSNP rs2151152195, ClinGen allele CA393842095.

ClinVar aggregate classification (germline): Uncertain significance (1 of 4 stars; one submission).

Conditions:
Bloom syndrome (BLM). Also called: Bloom-Torre-Machacek syndrome. Identifiers: Orphanet 125, MedGen C0005859, MONDO:0008876, OMIM 210900.

Submission:

Labcorp Genetics (formerly Invitae), Labcorp
Classification: Uncertain significance for Bloom syndrome. Last evaluated: 2023-02-11. Review status: criteria provided, single submitter. Criteria: Invitae Variant Classification Sherloc (09022015). Collection method: clinical testing. Allele origin: germline.
Comment: This sequence change replaces serine, which is neutral and polar, with proline, which is neutral and non-polar, at codon 338 of the BLM protein (p.Ser338Pro). In summary, the available evidence is currently insufficient to determine the role of this variant in disease. Therefore, it has been classified as a Variant of Uncertain Significance. Algorithms developed to predict the effect of missense changes on protein structure and function output the following: SIFT: "Tolerated"; PolyPhen-2: "Benign"; Align-GVGD: "Class C0". The proline amino acid residue is found in multiple mammalian species, which suggests that this missense change does not adversely affect protein function. This variant has not been reported in the literature in individuals affected with BLM-related conditions. This variant is not present in population databases (gnomAD no frequency).